The following is an entry in ClinVar:

ClinVar aggregate classification (germline): Uncertain significance (1 of 4 stars; one submission).

Submission:

GeneDx
Classification: Uncertain significance. Last evaluated: 2017-08-31. Review status: criteria provided, single submitter. Criteria: GeneDx Variant Classification (06012015). Collection method: clinical testing. Allele origin: germline. Affected: yes.
Comment: he c.846+2dupT variant in the KAT6B gene has not been reported previously as a pathogenic variant nor as a benign variant, to our knowledge. This splice site variant destroys the canonical splice donor site of intron 5, and may cause abnormal gene splicing, either leading to an abnormal message that is subject to nonsense-mediated mRNA decay, or to an abnormal protein product if the message is used for protein translation; however, in the absence of RNA/functional studies, the actual effect of c.846+2dupT in this individual is unknown. The c.846+2dupT variant is not observed in large population cohorts (Lek et al., 2016; 1000 Genomes Consortium et al., 2015; Exome Variant Server). We interpret c.846+2dupT as a variant of uncertain significance.

NM_012330.4(KAT6B):c.846+2dup

Gene: KAT6B (lysine acetyltransferase 6B; plus strand). Cytogenetic location: 10q22.2.
Variant type: Duplication.
Coding change: c.846+2dup on transcript NM_012330.4 (MANE Select); the canonical splice donor site of the intron after coding-DNA position 846, one base duplicated (T; older notation c.846+2dupT).
Molecular consequence: splice donor variant. On other transcripts: intron variant (2).
Genome position (GRCh38, 1-based): chr10:74,969,777, T duplicated. VCF-style (leftmost placement, unchanged base first): chr10-74969776-G-GT. GRCh37 (hg19) VCF-style: chr10-76729534-G-GT.
Other names: c.846+2dup (NM_001370139.1, NM_001370136.1, NM_001370138.1 and 10 more transcripts); c.193-9447dup (NM_001370134.1); c.192+9699dup (NM_001370135.1); c.846+2dupT (NM_012330.3).
Identifiers: ClinVar variation 451759 (VCV000451759.1), dbSNP rs1554834893, ClinGen allele CA658657969.